The following is an entry in ClinVar:

ClinVar aggregate classification (germline): Likely benign (1 of 4 stars; one submission).

gnomAD v4.1: 1 of 1,614,254 alleles (0.000062%); highest among the groups gnomAD compares: Admixed American, 0.0017%; no homozygotes.

Submission:

CeGaT Center for Human Genetics Tuebingen
Classification: Likely benign. Last evaluated: 2026-09-01. Review status: criteria provided, single submitter. Criteria: CeGaT Center For Human Genetics Tuebingen Variant Classification Criteria Version 2. Collection method: clinical testing. Allele origin: germline. Affected: yes. Observed: 1 variant allele.
Comment: COL4A1: BP4, BP7

NM_001845.6(COL4A1):c.4386T>C (p.Ser1462=)

Gene: COL4A1 (collagen type IV alpha 1 chain; minus strand). Cytogenetic location: 13q34.
Variant type: single nucleotide variant.
Coding change: c.4386T>C on transcript NM_001845.6 (MANE Select); coding-DNA position 4386, T replaced by C.
Protein change: p.Ser1462=; no amino-acid change (serine 1462 retained).
Molecular consequence: synonymous variant.
Genome position (GRCh38, 1-based): chr13:110,162,306, A>G on the plus strand (T>C on the coding strand, the complement: COL4A1 is on the minus strand). VCF-style: chr13-110162306-A-G. GRCh37 (hg19) VCF-style: chr13-110814653-A-G.
Identifiers: ClinVar variation 5041700 (VCV005041700.1).
Genomic context (GRCh38, chr13:110,162,306, plus strand): 5'-GGCCCGTTCATTGCCTTGCACGTAGAGCAAAGAGTACCCGTGGTAAAGAATTTTGGTCCC[A>G]GAAGGACACTGTGGGTCATCTATTGTTTGACTATGCCTGGTCACAAGGAAGCCGTGATCA-3'
Protein context (NP_001836.3, residues 1452-1472): SQTIDDPQCP[Ser1462=]GTKILYHGYS